The following is an entry in ClinVar:

ClinVar aggregate classification (germline): Uncertain significance. Review status: criteria provided, multiple submitters, no conflicts (2 of 4 stars). 2 submissions from 2 submitters: Uncertain significance (2). Last evaluated 2025-09-21.

Conditions:
Charcot-Marie-Tooth disease dominant intermediate B (CMTDIB). Also called: CHARCOT-MARIE-TOOTH NEUROPATHY, DOMINANT INTERMEDIATE B; Charcot-Marie-Tooth disease dominant intermediate 1; CMT DI1; Charcot-Marie-Tooth disease dominant intermediate I. Identifiers: Orphanet 100044, Orphanet 228179, MedGen C1847902, MONDO:0011674, OMIM 606482.
Inborn genetic diseases. Identifiers: MedGen C0950123, MeSH D030342.

Allele frequency attached by ClinVar (database versions not stated): ExAC 0.00001; gnomAD exomes 0.00001 and 0.00002.

Submissions (2):

Labcorp Genetics (formerly Invitae), Labcorp
Classification: Uncertain significance for Charcot-Marie-Tooth disease dominant intermediate B. Last evaluated: 2025-09-21. Review status: criteria provided, single submitter. Criteria: Invitae Variant Classification Sherloc (09022015). Collection method: clinical testing. Allele origin: germline.
Comment: This sequence change replaces arginine, which is basic and polar, with glutamine, which is neutral and polar, at codon 266 of the DNM2 protein (p.Arg266Gln). This variant is present in population databases (rs754507545, gnomAD 0.006%). This variant has not been reported in the literature in individuals affected with DNM2-related conditions. ClinVar contains an entry for this variant (Variation ID: 575548). Invitae Evidence Modeling of protein sequence and biophysical properties (such as structural, functional, and spatial information, amino acid conservation, physicochemical variation, residue mobility, and thermodynamic stability) has been performed for this missense variant. However, the output from this modeling did not meet the statistical confidence thresholds required to predict the impact of this variant on DNM2 protein function. In summary, the available evidence is currently insufficient to determine the role of this variant in disease. Therefore, it has been classified as a Variant of Uncertain Significance.

Ambry Genetics
Classification: Uncertain significance for Inborn genetic diseases. Last evaluated: 2025-05-01. Review status: criteria provided, single submitter. Criteria: Ambry Variant Classification Scheme 2023. Collection method: clinical testing. Allele origin: germline.

NM_001005361.3(DNM2):c.797G>A (p.Arg266Gln)

Gene: DNM2 (dynamin 2; plus strand). Cytogenetic location: 19p13.2.
Variant type: single nucleotide variant.
Coding change: c.797G>A on transcript NM_001005361.3 (MANE Select); coding-DNA position 797, G replaced by A.
Protein change: p.Arg266Gln; replaces arginine 266 with glutamine.
Molecular consequence: missense variant.
Genome position (GRCh38, 1-based): chr19:10,783,068, G>A. VCF-style: chr19-10783068-G-A. GRCh37 (hg19) VCF-style: chr19-10893744-G-A.
Other names: c.797G>A, p.Arg266Gln (NM_001005360.3, NM_001005362.3, NM_001190716.2 and 1 more transcripts); short protein forms R266Q.
Identifiers: ClinVar variation 575548 (VCV000575548.10), dbSNP rs754507545, ClinGen allele CA9200890.